The following is an entry in ClinVar:

NM_000238.4(KCNH2):c.*92C>T

Gene: KCNH2 (potassium voltage-gated channel subfamily H member 2; minus strand). Cytogenetic location: 7q36.1.
Variant type: single nucleotide variant.
Coding change: c.*92C>T on transcript NM_000238.4 (MANE Select); 92 bases downstream of the stop codon, C replaced by T.
Molecular consequence: 3 prime UTR variant.
Genome position (GRCh38, 1-based): chr7:150,945,273, G>A on the plus strand (C>T on the coding strand, the complement: KCNH2 is on the minus strand). VCF-style: chr7-150945273-G-A. GRCh37 (hg19) VCF-style: chr7-150642361-G-A.
Other names: c.*92C>T (NM_172057.3).
Identifiers: ClinVar variation 911809 (VCV000911809.4), dbSNP rs149750773, ClinGen allele CA169070283.

ClinVar aggregate classification (germline): Benign (1 of 4 stars; one submission).

Conditions:
Long QT syndrome 2 (LQT2). Identifiers: Orphanet 101016, Orphanet 768, MedGen C3150943, MONDO:0013367, OMIM 613688.

Allele frequency attached by ClinVar (database versions not stated): TOPMed 0.00009; 1000 Genomes Project 0.00040; 1000 Genomes Project 30x 0.00062.
gnomAD v4.1: 219 of 1,386,944 alleles (0.016%); highest among the groups gnomAD compares: East Asian, 0.37%; no homozygotes.

Submission:

Illumina Laboratory Services, Illumina
Classification: Benign for Long QT syndrome 2. Last evaluated: 2018-04-20. Review status: criteria provided, single submitter. Criteria: ICSL Variant Classification Criteria 13 December 2019. Collection method: clinical testing. Allele origin: germline.
Comment: This variant was observed in the ICSL laboratory as part of a predisposition screen in an ostensibly healthy population. It had not been previously curated by ICSL or reported in the Human Gene Mutation Database (HGMD: prior to June 1st, 2018), and was therefore a candidate for classification through an automated scoring system. Utilizing variant allele frequency, disease prevalence and penetrance estimates, and inheritance mode, an automated score was calculated to assess if this variant is too frequent to cause the disease. Based on the score and internal cut-off values, a variant classified as benign is not then subjected to further curation. The score for this variant resulted in a classification of benign for this disease.